The following is an entry in ClinVar:

NM_004370.6(COL12A1):c.984T>G (p.Val328=)

Gene: COL12A1 (collagen type XII alpha 1 chain; minus strand). Cytogenetic location: 6q13.
Variant type: single nucleotide variant.
Coding change: c.984T>G on transcript NM_004370.6 (MANE Select); coding-DNA position 984, T replaced by G.
Protein change: p.Val328=; no amino-acid change (valine 328 retained).
Molecular consequence: synonymous variant. On other transcripts: intron variant (2).
Genome position (GRCh38, 1-based): chr6:75,188,375, A>C on the plus strand (T>G on the coding strand, the complement: COL12A1 is on the minus strand). VCF-style: chr6-75188375-A-C. GRCh37 (hg19) VCF-style: chr6-75898091-A-C.
Other names: c.73+14345T>G (NM_001424116.1, NM_080645.3); c.984T>G, p.Val328= (NM_001424113.1, NM_001424114.1, NM_001424115.1).
Identifiers: ClinVar variation 2954242 (VCV002954242.3), dbSNP rs2533595546, ClinGen allele CA450922356.

ClinVar aggregate classification (germline): Uncertain significance (1 of 4 stars; one submission).

Conditions:
Ullrich congenital muscular dystrophy 2 (UCMD2). Identifiers: Orphanet 75840, MedGen C4225314, MONDO:0014654, OMIM 616470.
Bethlem myopathy 2 (BTHLM2). Identifiers: Orphanet 536516, Orphanet 610, MedGen C4225313, MONDO:0034022, OMIM 616471.

Submission:

Labcorp Genetics (formerly Invitae), Labcorp
Classification: Uncertain significance for Bethlem myopathy 2; Ullrich congenital muscular dystrophy 2. Last evaluated: 2023-12-06. Review status: criteria provided, single submitter. Criteria: Invitae Variant Classification Sherloc (09022015). Collection method: clinical testing. Allele origin: germline.
Comment: This sequence change affects codon 328 of the COL12A1 mRNA. It is a 'silent' change, meaning that it does not change the encoded amino acid sequence of the COL12A1 protein. This variant is not present in population databases (gnomAD no frequency). This variant has not been reported in the literature in individuals affected with COL12A1-related conditions. Algorithms developed to predict the effect of sequence changes on RNA splicing suggest that this variant may create or strengthen a splice site. In summary, the available evidence is currently insufficient to determine the role of this variant in disease. Therefore, it has been classified as a Variant of Uncertain Significance.